The following is an entry in ClinVar:

NM_153704.6(TMEM67):c.1655del (p.Ser552fs)

Gene: TMEM67 (transmembrane protein 67; plus strand). Cytogenetic location: 8q22.1.
Variant type: Deletion.
Coding change: c.1655del on transcript NM_153704.6 (MANE Select); coding-DNA position 1655, one base deleted (G; older notation c.1655delG).
Protein change: p.Ser552fs; shifts the reading frame from serine 552.
Molecular consequence: frameshift variant. On other transcripts: non-coding transcript variant (1).
Genome position (GRCh38, 1-based): chr8:93,793,277, G deleted. VCF-style (leftmost placement, unchanged base first): chr8-93793276-AG-A. GRCh37 (hg19) VCF-style: chr8-94805504-AG-A.
Other names: c.1412del, p.Ser471fs (NM_001142301.1); short protein forms S552fs, S471fs.
Identifiers: ClinVar variation 4789999 (VCV004789999.1).

ClinVar aggregate classification (germline): Pathogenic (1 of 4 stars; one submission).

Conditions:
Meckel-Gruber syndrome. Also called: GRUBER SYNDROME; DYSENCEPHALIA SPLANCHNOCYSTICA; Dysencephalia splachnocystica. Identifiers: Orphanet 564, MedGen C0265215, MONDO:0018921.
Joubert syndrome. Also called: Familial aplasia of the vermis; JOUBERT-BOLTSHAUSER SYNDROME; CEREBELLOPARENCHYMAL DISORDER IV. Identifiers: Orphanet 475, MedGen C5979921, MONDO:0018772.

Submission:

Labcorp Genetics (formerly Invitae), Labcorp
Classification: Pathogenic for Joubert syndrome; Meckel-Gruber syndrome. Last evaluated: 2025-11-17. Review status: criteria provided, single submitter. Criteria: Invitae Variant Classification Sherloc (09022015). Collection method: clinical testing. Allele origin: germline.
Comment: This sequence change creates a premature translational stop signal (p.Ser552Ilefs*3) in the TMEM67 gene. It is expected to result in an absent or disrupted protein product. Loss-of-function variants in TMEM67 are known to be pathogenic (PMID: 20232449, 23559409). This variant is not present in population databases (gnomAD no frequency). This variant has not been reported in the literature in individuals affected with TMEM67-related conditions. For these reasons, this variant has been classified as Pathogenic.

Literature cited by the submitters: PubMed 20232449; PubMed 23559409.